The following is an entry in ClinVar:

ClinVar aggregate classification (germline): Uncertain significance (1 of 4 stars; one submission).

gnomAD v4.1: 5 of 1,614,014 alleles (0.00031%); highest among the groups gnomAD compares: African/African-American, 0.0067%; no homozygotes.

Submission:

Labcorp Genetics (formerly Invitae), Labcorp
Classification: Uncertain significance. Last evaluated: 2025-04-02. Review status: criteria provided, single submitter. Criteria: Invitae Variant Classification Sherloc (09022015). Collection method: clinical testing. Allele origin: germline.
Comment: This sequence change replaces aspartic acid, which is acidic and polar, with tyrosine, which is neutral and polar, at codon 146 of the LRP6 protein (p.Asp146Tyr). This variant is present in population databases (rs776107621, gnomAD 0.02%). This variant has not been reported in the literature in individuals affected with LRP6-related conditions. Invitae Evidence Modeling of protein sequence and biophysical properties (such as structural, functional, and spatial information, amino acid conservation, physicochemical variation, residue mobility, and thermodynamic stability) indicates that this missense variant is not expected to disrupt LRP6 protein function with a negative predictive value of 80%. In summary, the available evidence is currently insufficient to determine the role of this variant in disease. Therefore, it has been classified as a Variant of Uncertain Significance.

NM_002336.3(LRP6):c.436G>T (p.Asp146Tyr)

Gene: LRP6 (LDL receptor related protein 6; minus strand). Cytogenetic location: 12p13.2.
Variant type: single nucleotide variant.
Coding change: c.436G>T on transcript NM_002336.3 (MANE Select); coding-DNA position 436, G replaced by T.
Protein change: p.Asp146Tyr; replaces aspartic acid 146 with tyrosine.
Molecular consequence: missense variant. On other transcripts: 5 prime UTR variant (2), non-coding transcript variant (1), intron variant (1).
Genome position (GRCh38, 1-based): chr12:12,244,275, C>A on the plus strand (G>T on the coding strand, the complement: LRP6 is on the minus strand). VCF-style: chr12-12244275-C-A. GRCh37 (hg19) VCF-style: chr12-12397209-C-A.
Other names: c.436G>T, p.Asp146Tyr (NM_001414244.1, NM_001414245.1, NM_001414246.1 and 6 more transcripts); c.-18G>T (NM_001414253.1); c.-14G>T (NM_001414254.1); c.-5+22406G>T (NM_001414252.1); short protein forms D146Y.
Identifiers: ClinVar variation 4780257 (VCV004780257.1).
Genomic context (GRCh38, chr12:12,244,275, plus strand): 5'-AACCGAAAGGAGGTATGATGATCTTCGTACACTGTACAAAAACTTACCCACTTGAAGGAT[C>A]TAAGGCAATAGCTCTGGGTTGATCCAACTCTTGCCAAAATAAAACTTTTCGTAAAGATCC-3'
Protein context (NP_002327.2, residues 136-156): ELDQPRAIAL[Asp146Tyr]PSSGFMYWTD